The following is an entry in ClinVar:

ClinVar aggregate classification (germline): Uncertain significance (1 of 4 stars; one submission).

Submission:

Labcorp Genetics (formerly Invitae), Labcorp
Classification: Uncertain significance. Last evaluated: 2024-12-23. Review status: criteria provided, single submitter. Criteria: Invitae Variant Classification Sherloc (09022015). Collection method: clinical testing. Allele origin: germline.
Comment: This sequence change replaces histidine, which is basic and polar, with arginine, which is basic and polar, at codon 34 of the INS protein (p.His34Arg). This variant is not present in population databases (gnomAD no frequency). This variant has not been reported in the literature in individuals affected with INS-related conditions. An algorithm developed to predict the effect of missense changes on protein structure and function (PolyPhen-2) suggests that this variant is likely to be disruptive. In summary, the available evidence is currently insufficient to determine the role of this variant in disease. Therefore, it has been classified as a Variant of Uncertain Significance.

NM_000207.3(INS):c.101A>G (p.His34Arg)

Genes: INS (insulin; minus strand), INS-IGF2 (INS-IGF2 readthrough; minus strand). Cytogenetic location: 11p15.5.
Variant type: single nucleotide variant.
Coding change: c.101A>G on transcript NM_000207.3 (MANE Select); coding-DNA position 101, A replaced by G.
Protein change: p.His34Arg; replaces histidine 34 with arginine.
Molecular consequence: missense variant. On other transcripts: non-coding transcript variant (1).
Genome position (GRCh38, 1-based): chr11:2,160,871, T>C on the plus strand (A>G on the coding strand, the complement: INS is on the minus strand). VCF-style: chr11-2160871-T-C. GRCh37 (hg19) VCF-style: chr11-2182101-T-C.
Other names: c.101A>G, p.His34Arg (NM_001185097.2, NM_001185098.2, NM_001291897.2 and 1 more transcripts); short protein forms H34R.
Identifiers: ClinVar variation 3727867 (VCV003727867.2).